The following is an entry in ClinVar:

NM_001165963.4(SCN1A):c.2594G>C (p.Arg865Pro)

Gene: SCN1A (sodium voltage-gated channel alpha subunit 1; minus strand). Cytogenetic location: 2q24.3.
Variant type: single nucleotide variant.
Coding change: c.2594G>C on transcript NM_001165963.4 (MANE Select); coding-DNA position 2594, G replaced by C.
Protein change: p.Arg865Pro; replaces arginine 865 with proline.
Molecular consequence: missense variant. On other transcripts: non-coding transcript variant (1).
Genome position (GRCh38, 1-based): chr2:166,038,128, C>G on the plus strand (G>C on the coding strand, the complement: SCN1A is on the minus strand). VCF-style: chr2-166038128-C-G. GRCh37 (hg19) VCF-style: chr2-166894638-C-G.
Other names: c.2558G>C, p.Arg853Pro (NM_001353955.2, NM_001353954.2); c.2510G>C, p.Arg837Pro (NM_001353957.2, NM_001353958.2, NM_001165964.3); c.2507G>C, p.Arg836Pro (NM_001353960.2); c.152G>C, p.Arg51Pro (NM_001353961.2); c.2561G>C, p.Arg854Pro (NM_006920.6, NM_001353949.2, NM_001353950.2 and 2 more transcripts); c.2594G>C, p.Arg865Pro (NM_001202435.3, NM_001353948.2); short protein forms R51P, R836P, R837P, R853P, R854P, R865P.
Identifiers: ClinVar variation 4074368 (VCV004074368.1).

ClinVar aggregate classification (germline): Likely pathogenic (1 of 4 stars; one submission).

Submission:

GeneDx
Classification: Likely pathogenic. Last evaluated: 2025-02-11. Review status: criteria provided, single submitter. Criteria: GeneDx Variant Classification Process June 2021. Collection method: clinical testing. Allele origin: germline. Affected: yes.
Comment: Not observed at significant frequency in large population cohorts (gnomAD); In silico analysis supports that this missense variant has a deleterious effect on protein structure/function; Has not been previously published as pathogenic or benign to our knowledge